The following is an entry in ClinVar:

ClinVar aggregate classification (germline): Conflicting classifications of pathogenicity. Review status: criteria provided, conflicting classifications (1 of 4 stars). 3 submissions from 3 submitters: Likely pathogenic (1); Uncertain significance (2). Last evaluated 2026-08-18.

Conditions:
DMXL2-related disorder. Also called: DMXL2-related condition.
Hearing loss, autosomal dominant 71. Also called: DEAFNESS, AUTOSOMAL DOMINANT 71. Identifiers: MedGen C4539881, MONDO:0033258, OMIM 617605.

Allele frequency attached by ClinVar (database versions not stated): gnomAD 0.00004; gnomAD exomes 0.00004; TOPMed 0.00005; ExAC 0.00006; ESP Exome Variant Server 0.00008; 1000 Genomes Project 0.00040; 1000 Genomes Project 30x 0.00047.

Submissions (3):

PreventionGenetics, part of Exact Sciences
Classification: Uncertain significance for DMXL2-related condition. Last evaluated: 2026-08-18. Review status: criteria provided, single submitter. Criteria: ACMG Guidelines, 2015. Collection method: clinical testing. Allele origin: germline.
Comment: The DMXL2 c.8156G>A variant is predicted to result in the amino acid substitution p.Arg2719His. This variant has been reported in heterozygous state in several family members affected by bilateral sensorineural hearing loss with onset <18 years within a single family (Table S7, Carlson et al. 2023. PubMed ID: 36633841; single ClinVar submitter). This variant is reported in 0.040% of alleles in individuals of Latino descent in gnomAD, which is higher than expected for variant causative in autosomal dominant disorder. This variant is assessed as uncertain and likely pathogenic in ClinVar. At this time, the clinical significance of this variant is uncertain due to the absence of conclusive functional and genetic evidence.

Labcorp Genetics (formerly Invitae), Labcorp
Classification: Uncertain significance. Last evaluated: 2026-01-18. Review status: criteria provided, single submitter. Criteria: Invitae Variant Classification Sherloc (09022015). Collection method: clinical testing. Allele origin: germline.
Comment: This sequence change replaces arginine, which is basic and polar, with histidine, which is basic and polar, at codon 2719 of the DMXL2 protein (p.Arg2719His). This variant is present in population databases (rs367772050, gnomAD 0.03%). This missense change has been observed in individual(s) with deafness (PMID: 36633841). ClinVar contains an entry for this variant (Variation ID: 1980737). An algorithm developed to predict the effect of missense changes on protein structure and function (PolyPhen-2) suggests that this variant is likely to be disruptive. In summary, the available evidence is currently insufficient to determine the role of this variant in disease. Therefore, it has been classified as a Variant of Uncertain Significance.

King Laboratory, University of Washington
Classification: Likely pathogenic for Hearing loss, autosomal dominant 71. Last evaluated: 2023-02-28. Review status: criteria provided, single submitter. Criteria: Li et al. (Genet Med. 2022). Collection method: research. Allele origin: maternal. Affected: yes.
Comment: This variant occurred in heterozygosity in multiple patients with bilateral sensorineural hearing loss of onset <18 years within a single family, in a study of pediatric hearing loss conducted by the King Laboratory (Carlson RJ et al. JAMA-OtoHNS 2023). Affected individuals in this family include three siblings, their mother, and their maternal grandmother. All have a similar hearing loss phenotype. This variant is a missense at a completely conserved site and is predicted to be damaging by multiple in-silico tools. As of January 2023, this variant has not been reported to ClinVar and is found in 21 heterozygotes on gnomAD. Based on consistently predicted functional effect, co-segregation with the phenotype within the family, and goodness of fit of genotype to phenotype, we conclude that this variant is likely pathogenic.

Literature cited by the submitters: PubMed 36633841 (cited by Labcorp Genetics (formerly Invitae), Labcorp and King Laboratory, University of Washington).

NM_001378457.1(DMXL2):c.8219G>A (p.Arg2740His)

Gene: DMXL2 (Dmx like 2; minus strand). Cytogenetic location: 15q21.2.
Variant type: single nucleotide variant.
Coding change: c.8219G>A on transcript NM_001378457.1 (MANE Select); coding-DNA position 8219, G replaced by A.
Protein change: p.Arg2740His; replaces arginine 2740 with histidine.
Molecular consequence: missense variant. On other transcripts: non-coding transcript variant (2).
Genome position (GRCh38, 1-based): chr15:51,457,446, C>T on the plus strand (G>A on the coding strand, the complement: DMXL2 is on the minus strand). VCF-style: chr15-51457446-C-T. GRCh37 (hg19) VCF-style: chr15-51749643-C-T.
Other names: c.8156G>A, p.Arg2719His (NM_001174116.3); c.6245G>A, p.Arg2082His (NM_001174117.3); c.8216G>A, p.Arg2739His (NM_001378458.1); c.7931G>A, p.Arg2644His (NM_001378459.1); c.6134G>A, p.Arg2045His (NM_001378460.1); c.8153G>A, p.Arg2718His (NM_015263.5); c.8156G>A (NM_001174116.1); short protein forms R2644H, R2082H, R2719H, R2740H, R2045H, R2718H, R2739H.
Identifiers: ClinVar variation 1980737 (VCV001980737.4), dbSNP rs367772050, ClinGen allele CA7561104.